The following is an entry in ClinVar:

NM_001164508.2(NEB):c.24143del (p.Gly8048fs)

Genes: NEB (nebulin; minus strand), RIF1 (replication timing regulatory factor 1; plus strand). Cytogenetic location: 2q23.3.
Variant type: Deletion.
Coding change: c.24143del on transcript NM_001164508.2 (MANE Select); coding-DNA position 24143, one base deleted (G; older notation c.24143delG).
Protein change: p.Gly8048fs; shifts the reading frame from glycine 8048.
Molecular consequence: frameshift variant. On other transcripts: intron variant (1).
Genome position (GRCh38, 1-based): chr2:151,498,324, C deleted on the plus strand (G on the coding strand, the reverse complement: NEB is on the minus strand); the first of 2 consecutive C bases (chr2:151,498,324-151,498,325); deleting either gives the same sequence. VCF-style (leftmost placement, unchanged base first): chr2-151498323-TC-T. GRCh37 (hg19) VCF-style: chr2-152354837-TC-T.
Other names: c.24143del, p.Gly8048fs (NM_001164507.2); c.24248del, p.Gly8083fs (NM_001271208.2); c.18826-1956del (NM_004543.5); short protein forms G8048fs, G8083fs.
Identifiers: ClinVar variation 465578 (VCV000465578.6), dbSNP rs1553556154, ClinGen allele CA658657070.

ClinVar aggregate classification (germline): Pathogenic (1 of 4 stars; one submission).

Conditions:
Nemaline myopathy 2 (NEM2). Also called: Nemaline myopathy 2, autosomal recessive. Identifiers: MedGen C1850569, MONDO:0009725, OMIM 256030.

Submission:

Labcorp Genetics (formerly Invitae), Labcorp
Classification: Pathogenic for Nemaline myopathy 2. Last evaluated: 2017-01-12. Review status: criteria provided, single submitter. Criteria: Invitae Variant Classification Sherloc (09022015). Collection method: clinical testing. Allele origin: germline.
Comment: For these reasons, this variant has been classified as Pathogenic. While this particular variant has not been reported in the literature, loss-of-function variants in NEB are known to be pathogenic (PMID: 25205138). This sequence change deletes 1 nucleotide from exon 171 of the NEB mRNA (c.24248del), causing a frameshift at codon 8083. This creates a premature translational stop signal (p.Gly8083Glufs*97) and is expected to result in an absent or disrupted protein product.

Literature cited by the submitters: PubMed 25205138.